The following is an entry in ClinVar:

NM_016562.4(TLR7):c.2666G>A (p.Cys889Tyr)

Gene: TLR7 (toll like receptor 7; plus strand). Cytogenetic location: Xp22.2.
Variant type: single nucleotide variant.
Coding change: c.2666G>A on transcript NM_016562.4 (MANE Select); coding-DNA position 2666, G replaced by A.
Protein change: p.Cys889Tyr; replaces cysteine 889 with tyrosine.
Molecular consequence: missense variant.
Genome position (GRCh38, 1-based): chrX:12,888,174, G>A. VCF-style: chrX-12888174-G-A. GRCh37 (hg19) VCF-style: chrX-12906293-G-A.
Other names: short protein forms C889Y.
Identifiers: ClinVar variation 2348693 (VCV002348693.5), dbSNP rs145797092, ClinGen allele CA10350097.

ClinVar aggregate classification (germline): Uncertain significance. Review status: criteria provided, multiple submitters, no conflicts (2 of 4 stars). 2 submissions from 2 submitters: Uncertain significance (2). Last evaluated 2025-10-29.

Allele frequency attached by ClinVar (database versions not stated): ExAC 0.00001; gnomAD 0.00003; 1000 Genomes Project 30x 0.00021; TOPMed 0.00004; 1000 Genomes Project 0.00026.
gnomAD v4.1: 12 of 1,210,417 alleles (0.00099%); highest among the groups gnomAD compares: East Asian, 0.024%; 1 homozygote.

Submissions (2):

Labcorp Genetics (formerly Invitae), Labcorp
Classification: Uncertain significance. Last evaluated: 2025-10-29. Review status: criteria provided, single submitter. Criteria: Invitae Variant Classification Sherloc (09022015). Collection method: clinical testing. Allele origin: germline.
Comment: This sequence change replaces cysteine, which is neutral and slightly polar, with tyrosine, which is neutral and polar, at codon 889 of the TLR7 protein (p.Cys889Tyr). This variant is present in population databases (rs145797092, gnomAD 0.008%). This variant has not been reported in the literature in individuals affected with TLR7-related conditions. ClinVar contains an entry for this variant (Variation ID: 2348693). An algorithm developed to predict the effect of missense changes on protein structure and function (PolyPhen-2) suggests that this variant is likely to be tolerated. In summary, the available evidence is currently insufficient to determine the role of this variant in disease. Therefore, it has been classified as a Variant of Uncertain Significance.

Ambry Genetics
Classification: Uncertain significance. Last evaluated: 2021-08-02. Review status: criteria provided, single submitter. Criteria: Ambry Variant Classification Scheme 2023. Collection method: clinical testing. Allele origin: germline.